The following is an entry in ClinVar:

NM_001193313.2(SUGCT):c.778C>T (p.Arg260Cys)

Gene: SUGCT (succinyl-CoA:glutarate-CoA transferase; plus strand). Cytogenetic location: 7p14.1.
Variant type: single nucleotide variant.
Coding change: c.778C>T on transcript NM_001193313.2 (MANE Select); coding-DNA position 778, C replaced by T.
Protein change: p.Arg260Cys; replaces arginine 260 with cysteine.
Molecular consequence: missense variant.
Genome position (GRCh38, 1-based): chr7:40,316,817, C>T. VCF-style: chr7-40316817-C-T. GRCh37 (hg19) VCF-style: chr7-40356416-C-T.
Other names: c.778C>T, p.Arg260Cys (NM_001193311.2); c.634C>T, p.Arg212Cys (NM_001193312.2); c.667C>T, p.Arg223Cys (NM_024728.3); short protein forms R223C, R260C, R212C.
Identifiers: ClinVar variation 1988675 (VCV001988675.1), dbSNP rs375435686, ClinGen allele CA4229590.

ClinVar aggregate classification (germline): Uncertain significance (1 of 4 stars; one submission).

Allele frequency attached by ClinVar (database versions not stated): ESP Exome Variant Server 0.00008; gnomAD 0.00010; ExAC 0.00013; TOPMed 0.00016; gnomAD exomes 0.00019.
gnomAD v4.1: 290 of 1,601,410 alleles (0.018%); highest among the groups gnomAD compares: Non-Finnish European, 0.023%; no homozygotes.

Submission:

Labcorp Genetics (formerly Invitae), Labcorp
Classification: Uncertain significance. Last evaluated: 2022-05-20. Review status: criteria provided, single submitter. Criteria: Invitae Variant Classification Sherloc (09022015). Collection method: clinical testing. Allele origin: germline.
Comment: This sequence change replaces arginine, which is basic and polar, with cysteine, which is neutral and slightly polar, at codon 230 of the SUGCT protein (p.Arg230Cys). This variant is present in population databases (rs375435686, gnomAD 0.01%). This variant has not been reported in the literature in individuals affected with SUGCT-related conditions. Algorithms developed to predict the effect of missense changes on protein structure and function are either unavailable or do not agree on the potential impact of this missense change (SIFT: "Deleterious"; PolyPhen-2: "Not Available"; Align-GVGD: "Class C65"). In summary, the available evidence is currently insufficient to determine the role of this variant in disease. Therefore, it has been classified as a Variant of Uncertain Significance.